The following is an entry in ClinVar:

ClinVar aggregate classification (germline): Uncertain significance (1 of 4 stars; one submission).

Submission:

Women's Health and Genetics/Laboratory Corporation of America, LabCorp
Classification: Uncertain significance. Last evaluated: 2023-05-18. Review status: criteria provided, single submitter. Criteria: LabCorp Variant Classification Summary - May 2015. Collection method: clinical testing. Allele origin: germline.
Comment: Variant summary: CACNA1G c.2454-19C>A alters a non-conserved nucleotide located close to a canonical splice site and therefore could affect mRNA splicing, leading to a significantly altered protein sequence. 4/4 computational tools predict no significant impact on normal splicing. However, these predictions have yet to be confirmed by functional studies. The variant was absent in 153050 control chromosomes (gnomAD). The available data on variant occurrences in the general population are insufficient to allow any conclusion about variant significance. To our knowledge, no occurrence of c.2454-19C>A in individuals affected with Spinocerebellar Ataxia Type 42 and no experimental evidence demonstrating its impact on protein function have been reported. No clinical diagnostic laboratories have submitted clinical-significance assessments for this variant to ClinVar after 2014. Based on the evidence outlined above, the variant was classified as uncertain significance.

NM_018896.5(CACNA1G):c.2454-19C>A

Gene: CACNA1G (calcium voltage-gated channel subunit alpha1 G; plus strand). Cytogenetic location: 17q21.33.
Variant type: single nucleotide variant.
Coding change: c.2454-19C>A on transcript NM_018896.5 (MANE Select); 19 bases into the intron before coding-DNA position 2454, C replaced by A.
Molecular consequence: intron variant.
Genome position (GRCh38, 1-based): chr17:50,591,416, C>A. VCF-style: chr17-50591416-C-A. GRCh37 (hg19) VCF-style: chr17-48668777-C-A.
Other names: c.2454-19C>A (NM_001256325.2, NM_198377.3, NM_198380.3 and 24 more transcripts).
Identifiers: ClinVar variation 2506036 (VCV002506036.1), dbSNP rs1244017764, ClinGen allele CA500872107.
Genomic context (GRCh38, chr17:50,591,416, plus strand): 5'-GTGCTACTGAGTCCTCTCCGAGGGAGTAGGGGGAGAGGGTGAAGGTGCAGGGGGCTCAGG[C>A]TGCCTGCCCCCTTTGCAGCGTGTGGGAGATCGTGGGCCAGCAGGGGGGCGGCCTGTCGGT-3'